The following is an entry in ClinVar:

NM_000093.5(COL5A1):c.3830A>G (p.Asn1277Ser)

Gene: COL5A1 (collagen type V alpha 1 chain; plus strand). Cytogenetic location: 9q34.3.
Variant type: single nucleotide variant.
Coding change: c.3830A>G on transcript NM_000093.5 (MANE Select); coding-DNA position 3830, A replaced by G.
Protein change: p.Asn1277Ser; replaces asparagine 1277 with serine.
Molecular consequence: missense variant.
Genome position (GRCh38, 1-based): chr9:134,812,690, A>G. VCF-style: chr9-134812690-A-G. GRCh37 (hg19) VCF-style: chr9-137704536-A-G.
Other names: c.3830A>G, p.Asn1277Ser (NM_001278074.1); short protein forms N1277S.
Identifiers: ClinVar variation 3645584 (VCV003645584.2).

ClinVar aggregate classification (germline): Uncertain significance (1 of 4 stars; one submission).

Conditions:
Ehlers-Danlos syndrome, classic type, 1 (EDSCL1). Also called: EHLERS-DANLOS SYNDROME, GRAVIS TYPE; EHLERS-DANLOS SYNDROME, SEVERE CLASSIC TYPE; Ehlers-Danlos syndrome, type 1; Ehlers-Danlos Syndrome, Classic Type, COL5A1-Related; EDS I. Identifiers: MedGen C0268335, MONDO:0019567, OMIM 130000.

Submission:

Labcorp Genetics (formerly Invitae), Labcorp
Classification: Uncertain significance for Ehlers-Danlos syndrome, classic type, 1. Last evaluated: 2024-03-13. Review status: criteria provided, single submitter. Criteria: Invitae Variant Classification Sherloc (09022015). Collection method: clinical testing. Allele origin: germline.
Comment: This sequence change replaces asparagine, which is neutral and polar, with serine, which is neutral and polar, at codon 1277 of the COL5A1 protein (p.Asn1277Ser). This variant is not present in population databases (gnomAD no frequency). This variant has not been reported in the literature in individuals affected with COL5A1-related conditions. Advanced modeling of protein sequence and biophysical properties (such as structural, functional, and spatial information, amino acid conservation, physicochemical variation, residue mobility, and thermodynamic stability) performed at Invitae indicates that this missense variant is not expected to disrupt COL5A1 protein function with a negative predictive value of 95%. In summary, the available evidence is currently insufficient to determine the role of this variant in disease. Therefore, it has been classified as a Variant of Uncertain Significance.